The following is an entry in ClinVar:

ClinVar aggregate classification (germline): Likely pathogenic (1 of 4 stars; one submission).

Conditions:
PMM2-congenital disorder of glycosylation. Also called: CDG Ia; CARBOHYDRATE-DEFICIENT GLYCOPROTEIN SYNDROME, TYPE Ia; JAEKEN SYNDROME; PHOSPHOMANNOMUTASE 2 DEFICIENCY; PMM2-CDG; Congenital disorder of glycosylation, type Ia. Identifiers: Orphanet 79318, MedGen C0349653, MONDO:0008907, OMIM 212065.

Submission:

Labcorp Genetics (formerly Invitae), Labcorp
Classification: Likely pathogenic for PMM2-congenital disorder of glycosylation. Last evaluated: 2022-05-18. Review status: criteria provided, single submitter. Criteria: Invitae Variant Classification Sherloc (09022015). Collection method: clinical testing. Allele origin: germline.
Comment: Advanced modeling of protein sequence and biophysical properties (such as structural, functional, and spatial information, amino acid conservation, physicochemical variation, residue mobility, and thermodynamic stability) performed at Invitae indicates that this missense variant is expected to disrupt PMM2 protein function. This variant has not been reported in the literature in individuals affected with PMM2-related conditions. This variant is not present in population databases (gnomAD no frequency). This sequence change replaces phenylalanine, which is neutral and non-polar, with cysteine, which is neutral and slightly polar, at codon 157 of the PMM2 protein (p.Phe157Cys). This variant disrupts the p.Phe157 amino acid residue in PMM2. Other variant(s) that disrupt this residue have been determined to be pathogenic (PMID: 11156536, 15645285, 19357119, 21541725). This suggests that this residue is clinically significant, and that variants that disrupt this residue are likely to be disease-causing. In summary, the currently available evidence indicates that the variant is pathogenic, but additional data are needed to prove that conclusively. Therefore, this variant has been classified as Likely Pathogenic.

Literature cited by the submitters: PubMed 11156536; PubMed 15645285; PubMed 19357119; PubMed 21541725.

NM_000303.3(PMM2):c.470T>G (p.Phe157Cys)

Gene: PMM2 (phosphomannomutase 2; plus strand). Cytogenetic location: 16p13.2.
Variant type: single nucleotide variant.
Coding change: c.470T>G on transcript NM_000303.3 (MANE Select); coding-DNA position 470, T replaced by G.
Protein change: p.Phe157Cys; replaces phenylalanine 157 with cysteine.
Molecular consequence: missense variant.
Genome position (GRCh38, 1-based): chr16:8,811,660, T>G. VCF-style: chr16-8811660-T-G. GRCh37 (hg19) VCF-style: chr16-8905517-T-G.
Other names: short protein forms F157C.
Identifiers: ClinVar variation 1993071 (VCV001993071.4), dbSNP rs190521996, ClinGen allele CA394696947.
Genomic context (GRCh38, chr16:8,811,660, plus strand): 5'-AATACAAGAAACAATTGGTATCTTTTTGTTTTTCTCAGAAAGAAAATATAAGACAAAAGT[T>G]TGTAGCAGATCTACGGAAAGAGTTTGCTGGAAAAGGCCTCACGTTTTCCATAGGTATTGT-3'
Protein context (NP_000294.1, residues 147-167): LDKKENIRQK[Phe157Cys]VADLRKEFAG